The following is an entry in ClinVar:

NC_000023.11:g.(?_7442087)del

Variant type: Deletion.
Identifiers: ClinVar variation 3777725 (VCV003777725.1).

ClinVar aggregate classification (germline): Pathogenic (1 of 4 stars; one submission).

Conditions:
Allan-Herndon-Dudley syndrome (AHDS). Also called: T3 RESISTANCE; TRIIODOTHYRONINE RESISTANCE; Passos-Bueno syndrome; ALLAN-HERNDON SYNDROME; MENTAL RETARDATION AND MUSCULAR ATROPHY. Identifiers: Orphanet 59, MedGen C0795889, MONDO:0010354, OMIM 300523.

Submission:

Pediatrics, Sichuan Provincial Hospital For Women And Children
Classification: Pathogenic for Allan-Herndon-Dudley syndrome. Review status: criteria provided, single submitter. Criteria: ACMG/ClinGen CNV Guidelines, 2019. Collection method: clinical testing. Allele origin: maternal. Affected: yes. Observed: 1 hemizygote.
Comment: This variant is a gross deletion of the genomic region encompassing 5’ UTR-exon1 of the SLC16A2 gene. While this deletion is not anticipated to lead to nonsense mediated decay, it is expected to disrupt the C-terminus of the protein.